The following is an entry in ClinVar:

NM_025074.7(FRAS1):c.8098+2T>A

Gene: FRAS1 (Fraser extracellular matrix complex subunit 1; plus strand). Cytogenetic location: 4q21.21.
Variant type: single nucleotide variant.
Coding change: c.8098+2T>A on transcript NM_025074.7 (MANE Select); the canonical splice donor site of the intron after coding-DNA position 8098, T replaced by A.
Molecular consequence: splice donor variant.
Genome position (GRCh38, 1-based): chr4:78,478,063, T>A. VCF-style: chr4-78478063-T-A. GRCh37 (hg19) VCF-style: chr4-79399217-T-A.
Identifiers: ClinVar variation 191192 (VCV000191192.4), dbSNP rs786205570, ClinGen allele CA236219.

ClinVar aggregate classification (germline): Pathogenic/Likely pathogenic. Review status: criteria provided, multiple submitters, no conflicts (2 of 4 stars). 2 submissions from 2 submitters: Pathogenic (1); Likely pathogenic (1). Last evaluated 2022-05-24.

Conditions:
Inborn genetic diseases. Identifiers: MedGen C0950123, MeSH D030342.

Allele frequency attached by ClinVar (database versions not stated): gnomAD exomes below 0.00001.
gnomAD v4.1: 1 of 1,555,938 alleles (0.000064%); highest among the groups gnomAD compares: South Asian, 0.0012%; no homozygotes.

Submissions (2):

Ambry Genetics
Classification: Pathogenic for Inborn genetic diseases. Last evaluated: 2022-05-24. Review status: criteria provided, single submitter. Criteria: Ambry Variant Classification Scheme 2023. Collection method: clinical testing. Allele origin: germline.
Comment: The c.8098+2T>A intronic variant results from a T to A substitution two nucleotides after coding exon 55 of the FRAS1 gene. Alterations that disrupt the canonical splice site are expected to cause aberrant splicing, resulting in an abnormal protein or a transcript that is subject to nonsense-mediated mRNA decay. This variant was not reported in population-based cohorts in the Genome Aggregation Database (gnomAD). This nucleotide position is highly conserved in available vertebrate species. In silico splice site analysis predicts that this alteration will weaken the native splice donor site and will result in the creation or strengthening of a novel splice donor site. Based on the available evidence, this alteration is classified as pathogenic.

Genomic Medicine Center of Excellence, King Faisal Specialist Hospital and Research Centre
Classification: Likely pathogenic. Review status: criteria provided, single submitter. Criteria: ACMG Guidelines, 2015. Collection method: research. Allele origin: germline. Affected: yes.

Literature cited by the submitters: PubMed 32643034 (cited by Ambry Genetics).